The following is an entry in ClinVar:

ClinVar aggregate classification (germline): Uncertain significance (1 of 4 stars; one submission).

Conditions:
Naxos disease (NXD). Also called: WOOLLY HAIR, PALMOPLANTAR KERATODERMA, AND CARDIAC ABNORMALITIES; CARDIOMYOPATHY, ARRHYTHMOGENIC RIGHT VENTRICULAR, WITH SKIN, HAIR, AND NAIL ABNORMALITIES; KERATOSIS PALMOPLANTARIS WITH ARRHYTHMOGENIC CARDIOMYOPATHY; MAL DE NAXOS; PALMOPLANTAR KERATODERMA WITH ARRHYTHMOGENIC RIGHT VENTRICULAR CARDIOMYOPATHY AND WOOLLY HAIR. Identifiers: Orphanet 34217, MedGen C1832600, MONDO:0011017, OMIM 601214.
Arrhythmogenic right ventricular dysplasia 12. Also called: ARRHYTHMOGENIC RIGHT VENTRICULAR DYSPLASIA, FAMILIAL, 12. Identifiers: MedGen C1969081, MONDO:0012684, OMIM 611528.

Submission:

Labcorp Genetics (formerly Invitae), Labcorp
Classification: Uncertain significance for Arrhythmogenic right ventricular dysplasia 12; Naxos disease. Last evaluated: 2024-01-05. Review status: criteria provided, single submitter. Criteria: Invitae Variant Classification Sherloc (09022015). Collection method: clinical testing. Allele origin: germline.
Comment: This sequence change replaces asparagine, which is neutral and polar, with histidine, which is basic and polar, at codon 211 of the JUP protein (p.Asn211His). This variant is not present in population databases (gnomAD no frequency). This variant has not been reported in the literature in individuals affected with JUP-related conditions. ClinVar contains an entry for this variant (Variation ID: 2174120). An algorithm developed to predict the effect of missense changes on protein structure and function (PolyPhen-2) suggests that this variant is likely to be disruptive. In summary, the available evidence is currently insufficient to determine the role of this variant in disease. Therefore, it has been classified as a Variant of Uncertain Significance.

NM_002230.4(JUP):c.631A>C (p.Asn211His)

Gene: JUP (junction plakoglobin; minus strand). Cytogenetic location: 17q21.2.
Variant type: single nucleotide variant.
Coding change: c.631A>C on transcript NM_002230.4 (MANE Select); coding-DNA position 631, A replaced by C.
Protein change: p.Asn211His; replaces asparagine 211 with histidine.
Molecular consequence: missense variant.
Genome position (GRCh38, 1-based): chr17:41,769,045, T>G on the plus strand (A>C on the coding strand, the complement: JUP is on the minus strand). VCF-style: chr17-41769045-T-G. GRCh37 (hg19) VCF-style: chr17-39925297-T-G.
Other names: c.631A>C, p.Asn211His (NM_001352773.2, NM_001352774.2, NM_001352775.2 and 3 more transcripts); short protein forms N211H.
Identifiers: ClinVar variation 2174120 (VCV002174120.4), dbSNP rs2544180614, ClinGen allele CA399502833.